The following is an entry in ClinVar:

NM_006005.3(WFS1):c.2640CTT[3] (p.Phe884dup)

Gene: WFS1 (wolframin ER transmembrane glycoprotein; plus strand). Cytogenetic location: 4p16.1.
Variant type: Microsatellite.
Coding change: c.2640CTT[3] on transcript NM_006005.3 (MANE Select); three copies in a row of the 3-base unit CTT starting at c.2640; the reference has two copies in a row; one copy, 3 bases duplicated.
Protein change: p.Phe884dup; duplicates phenylalanine 884.
Molecular consequence: inframe insertion.
Genome position (GRCh38, 1-based): chr4:6,302,438-6,302,440, CTT duplicated; duplicating any 3 consecutive bases within chr4:6,302,435-6,302,440 gives the same sequence; the position shown is the placement nearest the transcript's 3' end. VCF-style (leftmost placement, unchanged base first): chr4-6302434-A-ACTT. GRCh37 (hg19) VCF-style: chr4-6304161-A-ACTT.
Other names: c.2643_2645dupCTT (NM_006005.3); c.2640CTT[3], p.Phe884dup (NM_001145853.1).
Identifiers: ClinVar variation 1350812 (VCV001350812.5), dbSNP rs535021228, ClinGen allele CA1435772790.

ClinVar aggregate classification (germline): Uncertain significance. Review status: criteria provided, multiple submitters, no conflicts (2 of 4 stars). 3 submissions from 3 submitters: Uncertain significance (3). Last evaluated 2024-12-06.

Conditions:
WFS1-related disorder. Identifiers: MedGen CN379391, MONDO:0700293.

Submissions (3):

PreventionGenetics, part of Exact Sciences
Classification: Uncertain significance for WFS1-related condition. Last evaluated: 2024-12-06. Review status: criteria provided, single submitter. Criteria: ACMG Guidelines, 2015. Collection method: clinical testing. Allele origin: germline.
Comment: The WFS1 c.2643_2645dupCTT variant is predicted to result in an in-frame duplication (p.Phe884dup). To our knowledge, this variant has not been reported in the literature or in a large population database (gnomAD), indicating this variant is rare. At this time, the clinical significance of this variant is uncertain due to the absence of conclusive functional and genetic evidence.

Blueprint Genetics
Classification: Uncertain significance. Last evaluated: 2024-10-25. Review status: criteria provided, single submitter. Criteria: ACMG Guidelines, 2015. Collection method: clinical testing. Allele origin: germline.

Labcorp Genetics (formerly Invitae), Labcorp
Classification: Uncertain significance. Last evaluated: 2021-09-24. Review status: criteria provided, single submitter. Criteria: Invitae Variant Classification Sherloc (09022015). Collection method: clinical testing. Allele origin: germline.